The following is an entry in ClinVar:

NM_015909.4(NBAS):c.1300C>G (p.Gln434Glu)

Gene: NBAS (NBAS subunit of NRZ tethering complex; minus strand). Cytogenetic location: 2p24.3.
Variant type: single nucleotide variant.
Coding change: c.1300C>G on transcript NM_015909.4 (MANE Select); coding-DNA position 1300, C replaced by G.
Protein change: p.Gln434Glu; replaces glutamine 434 with glutamic acid.
Molecular consequence: missense variant. On other transcripts: non-coding transcript variant (1).
Genome position (GRCh38, 1-based): chr2:15,475,728, G>C on the plus strand (C>G on the coding strand, the complement: NBAS is on the minus strand). VCF-style: chr2-15475728-G-C. GRCh37 (hg19) VCF-style: chr2-15615852-G-C.
Other names: short protein forms Q434E.
Identifiers: ClinVar variation 2042444 (VCV002042444.1), dbSNP rs1202517766, ClinGen allele CA345890588.
Genomic context (GRCh38, chr2:15,475,728, plus strand): 5'-AAACAGGAAAAAGCCTTACCTCCAAACTTAAAAATCCCCCATCATGGGTAGCAGTGACTT[G>C]AGGTGATGGTTCAAACCATTCACAGGATTTTCCCAGTAAATTCTTCAAAGTTTTCACAGA-3'
Protein context (NP_056993.2, residues 424-444): KSCEWFEPSP[Gln434Glu]VTATHDGGFL

ClinVar aggregate classification (germline): Uncertain significance (1 of 4 stars; one submission).

Allele frequency attached by ClinVar (database versions not stated): gnomAD exomes below 0.00001; gnomAD 0.00002.
gnomAD v4.1: 10 of 1,613,930 alleles (0.00062%); highest among the groups gnomAD compares: South Asian, 0.0044%; no homozygotes.

Submission:

Labcorp Genetics (formerly Invitae), Labcorp
Classification: Uncertain significance. Last evaluated: 2022-09-16. Review status: criteria provided, single submitter. Criteria: Invitae Variant Classification Sherloc (09022015). Collection method: clinical testing. Allele origin: germline.
Comment: This sequence change replaces glutamine, which is neutral and polar, with glutamic acid, which is acidic and polar, at codon 434 of the NBAS protein (p.Gln434Glu). This variant is present in population databases (no rsID available, gnomAD 0.002%). This variant has not been reported in the literature in individuals affected with NBAS-related conditions. Advanced modeling of protein sequence and biophysical properties (such as structural, functional, and spatial information, amino acid conservation, physicochemical variation, residue mobility, and thermodynamic stability) performed at Invitae indicates that this missense variant is not expected to disrupt NBAS protein function. In summary, the available evidence is currently insufficient to determine the role of this variant in disease. Therefore, it has been classified as a Variant of Uncertain Significance.